The following is an entry in ClinVar:

ClinVar aggregate classification (germline): Uncertain significance. Review status: criteria provided, multiple submitters, no conflicts (2 of 4 stars). 2 submissions from 2 submitters: Uncertain significance (2). Last evaluated 2025-12-22.

Allele frequency attached by ClinVar (database versions not stated): gnomAD exomes below 0.00001.

Submissions (2):

Women's Health and Genetics/Laboratory Corporation of America, LabCorp
Classification: Uncertain significance. Last evaluated: 2025-12-22. Review status: criteria provided, single submitter. Criteria: LabCorp Variant Classification Summary - May 2015. Collection method: clinical testing. Allele origin: germline.
Comment: Variant summary: NDUFV1 c.476G>A (p.Arg159Gln) results in a conservative amino acid change in the encoded protein sequence. Algorithms developed to predict the effect of missense changes on protein structure and function are either unavailable or do not agree on the potential impact of this missense change. The variant was absent in 246414 control chromosomes (gnomAD). The available data on variant occurrences in the general population are insufficient to allow any conclusion about variant significance. c.476G>A has been observed in an individual affected with features of Complex 1 deficiency (Wang_2016). These data do not allow any conclusion about variant significance. To our knowledge, no experimental evidence demonstrating an impact on protein function has been reported. The following publication has been ascertained in the context of this evaluation (PMID: 27779215). ClinVar contains an entry for this variant (Variation ID: 1506956). Based on the evidence outlined above, the variant was classified as uncertain significance.

Labcorp Genetics (formerly Invitae), Labcorp
Classification: Uncertain significance. Last evaluated: 2022-06-20. Review status: criteria provided, single submitter. Criteria: Invitae Variant Classification Sherloc (09022015). Collection method: clinical testing. Allele origin: germline.
Comment: This sequence change replaces arginine, which is basic and polar, with glutamine, which is neutral and polar, at codon 159 of the NDUFV1 protein (p.Arg159Gln). This variant is not present in population databases (gnomAD no frequency). This missense change has been observed in individual(s) with clinical features of mitochondrial complex I deficiency (PMID: 27779215). This variant is also known as p.Arg150Gln. Advanced modeling of protein sequence and biophysical properties (such as structural, functional, and spatial information, amino acid conservation, physicochemical variation, residue mobility, and thermodynamic stability) performed at Invitae indicates that this missense variant is expected to disrupt NDUFV1 protein function. In summary, the available evidence is currently insufficient to determine the role of this variant in disease. Therefore, it has been classified as a Variant of Uncertain Significance.

Literature cited by the submitters: PubMed 27779215 (cited by Women's Health and Genetics/Laboratory Corporation of America, LabCorp and Labcorp Genetics (formerly Invitae), Labcorp).

NM_007103.4(NDUFV1):c.476G>A (p.Arg159Gln)

Gene: NDUFV1 (NADH:ubiquinone oxidoreductase core subunit V1; plus strand). Cytogenetic location: 11q13.2.
Variant type: single nucleotide variant.
Coding change: c.476G>A on transcript NM_007103.4 (MANE Select); coding-DNA position 476, G replaced by A.
Protein change: p.Arg159Gln; replaces arginine 159 with glutamine.
Molecular consequence: missense variant.
Genome position (GRCh38, 1-based): chr11:67,609,601, G>A. VCF-style: chr11-67609601-G-A. GRCh37 (hg19) VCF-style: chr11-67377072-G-A.
Other names: c.449G>A, p.Arg150Gln (NM_001166102.2); short protein forms R150Q, R159Q.
Identifiers: ClinVar variation 1506956 (VCV001506956.6), dbSNP rs2134083921, ClinGen allele CA381536068.
Genomic context (GRCh38, chr11:67,609,601, plus strand): 5'-TGGAAGGCTGCCTGGTGGGGGGCCGGGCCATGGGCGCCCGCGCTGCCTATATCTACATCC[G>A]AGGGGAATTCTACAATGAGGCCTCCAATCTGCAGGTGGGTAGGGAGAGATGTAGACAGAT-3'
Protein context (NP_009034.2, residues 149-169): MGARAAYIYI[Arg159Gln]GEFYNEASNL